The following is an entry in ClinVar:

NM_018026.4(PACS1):c.2789G>A (p.Gly930Glu)

Gene: PACS1 (phosphofurin acidic cluster sorting protein 1; plus strand). Cytogenetic location: 11q13.2.
Variant type: single nucleotide variant.
Coding change: c.2789G>A on transcript NM_018026.4 (MANE Select); coding-DNA position 2789, G replaced by A.
Protein change: p.Gly930Glu; replaces glycine 930 with glutamic acid.
Molecular consequence: missense variant.
Genome position (GRCh38, 1-based): chr11:66,243,177, G>A. VCF-style: chr11-66243177-G-A. GRCh37 (hg19) VCF-style: chr11-66010648-G-A.
Other names: short protein forms G930E.
Identifiers: ClinVar variation 4995062 (VCV004995062.1).

ClinVar aggregate classification (germline): Uncertain significance (1 of 4 stars; one submission).

Conditions:
PACS1-related disorder. Also called: PACS1-related condition.

Submission:

PreventionGenetics, part of Exact Sciences
Classification: Uncertain significance for PACS1-related condition. Last evaluated: 2025-11-19. Review status: criteria provided, single submitter. Criteria: ACMG Guidelines, 2015. Collection method: clinical testing. Allele origin: germline.
Comment: The PACS1 c.2789G>A variant is predicted to result in the amino acid substitution p.Gly930Glu. To our knowledge, this variant has not been reported in the literature. This variant is reported in 0.0029% of alleles in individuals of Latino descent in gnomAD. At this time, the clinical significance of this variant is uncertain due to the absence of conclusive functional and genetic evidence.